The following is an entry in ClinVar:

ClinVar aggregate classification (germline): Likely benign (1 of 4 stars; one submission).

Conditions:
Hemochromatosis type 3 (HFE3). Also called: HEMOCHROMATOSIS DUE TO DEFECT IN TRANSFERRIN RECEPTOR 2; Hereditary hemochromatosis type 3; TFR2-Related Hemochromatosis. Identifiers: Orphanet 225123, MedGen C1858664, MONDO:0011417, OMIM 604250.

Allele frequency attached by ClinVar (database versions not stated): gnomAD exomes 0.00025; gnomAD 0.00222 and 0.00230; TOPMed 0.00274; 1000 Genomes Project 0.00280; 1000 Genomes Project 30x 0.00359.
gnomAD v4.1: 677 of 1,447,592 alleles (0.047%); highest among the groups gnomAD compares: African/African-American, 0.87%; 1 homozygote.

Submission:

Illumina Laboratory Services, Illumina
Classification: Likely benign for Hemochromatosis type 3. Last evaluated: 2018-01-13. Review status: criteria provided, single submitter. Criteria: ICSL Variant Classification Criteria 13 December 2019. Collection method: clinical testing. Allele origin: germline.
Comment: This variant was observed in the ICSL laboratory as part of a predisposition screen in an ostensibly healthy population. It had not been previously curated by ICSL or reported in the Human Gene Mutation Database (HGMD: prior to June 1st, 2018), and was therefore a candidate for classification through an automated scoring system. Utilizing variant allele frequency, disease prevalence and penetrance estimates, and inheritance mode, an automated score was calculated to assess if this variant is too frequent to cause the disease. Based on the score and internal cut-off values, a variant classified as likely benign is not then subjected to further curation. The score for this variant resulted in a classification of likely benign for this disease.

NM_003227.4(TFR2):c.*116C>T

Gene: TFR2 (transferrin receptor 2; minus strand). Cytogenetic location: 7q22.1.
Variant type: single nucleotide variant.
Coding change: c.*116C>T on transcript NM_003227.4 (MANE Select); 116 bases downstream of the stop codon, C replaced by T.
Molecular consequence: 3 prime UTR variant.
Genome position (GRCh38, 1-based): chr7:100,620,741, G>A on the plus strand (C>T on the coding strand, the complement: TFR2 is on the minus strand). VCF-style: chr7-100620741-G-A. GRCh37 (hg19) VCF-style: chr7-100218364-G-A.
Other names: c.*116C>T (NM_001206855.3).
Identifiers: ClinVar variation 358282 (VCV000358282.5), dbSNP rs41296648, ClinGen allele CA10622830.
Genomic context (GRCh38, chr7:100,620,741, plus strand): 5'-GGGTGTGTGGATATCTGTGCTGGGGTCTGGGCTCCGTGGAGAGATGTGTAGGGGTAATGA[G>A]AAATTGATCAGCAATGAGAGGTGGACTCTGAGCCACCTCCCTGACCCTGAATCATTCAAG-3'